The following is an entry in ClinVar:

ClinVar aggregate classification (germline): Uncertain significance (1 of 4 stars; one submission).

Conditions:
Cardiovascular phenotype. Identifiers: MedGen CN230736.

Allele frequency attached by ClinVar (database versions not stated): gnomAD exomes below 0.00001; TOPMed 0.00001; ExAC 0.00001.

Submission:

Ambry Genetics
Classification: Uncertain significance for Cardiovascular phenotype. Last evaluated: 2025-11-04. Review status: criteria provided, single submitter. Criteria: Ambry Variant Classification Scheme 2023. Collection method: clinical testing. Allele origin: germline.
Comment: The p.D361N variant (also known as c.1081G>A), located in coding exon 6 of the SNTA1 gene, results from a G to A substitution at nucleotide position 1081. The aspartic acid at codon 361 is replaced by asparagine, an amino acid with highly similar properties. This amino acid position is not well conserved in available vertebrate species. In addition, this alteration is predicted to be tolerated by in silico analysis. Since supporting evidence is limited at this time, the clinical significance of this alteration remains unclear.

NM_003098.3(SNTA1):c.1081G>A (p.Asp361Asn)

Gene: SNTA1 (syntrophin alpha 1; minus strand). Cytogenetic location: 20q11.21.
Variant type: single nucleotide variant.
Coding change: c.1081G>A on transcript NM_003098.3 (MANE Select); coding-DNA position 1081, G replaced by A.
Protein change: p.Asp361Asn; replaces aspartic acid 361 with asparagine.
Molecular consequence: missense variant.
Genome position (GRCh38, 1-based): chr20:33,410,291, C>T on the plus strand (G>A on the coding strand, the complement: SNTA1 is on the minus strand). VCF-style: chr20-33410291-C-T. GRCh37 (hg19) VCF-style: chr20-31998097-C-T.
Other names: short protein forms D361N.
Identifiers: ClinVar variation 1786586 (VCV001786586.3), dbSNP rs768794681, ClinGen allele CA9817040.
Genomic context (GRCh38, chr20:33,410,291, plus strand): 5'-ACAGGTGAGTGTCCACACCGTGACGCGTGCCCGTGCGCAGGGCAAAAGAGAGCTCTGCAT[C>T]GTAGGGCACTGAGCCCTTGGAGGGGCCTGAGTGCACCAGTCTGGGGGTTGGGGGCAGAGG-3'
Protein context (NP_003089.1, residues 351-371): SGPSKGSVPY[Asp361Asn]AELSFALRTG